The following is an entry in ClinVar:

NM_001042424.3(NSD2):c.2789G>A (p.Trp930Ter)

Gene: NSD2 (nuclear receptor binding SET domain protein 2; plus strand). Cytogenetic location: 4p16.3.
Variant type: single nucleotide variant.
Coding change: c.2789G>A on transcript NM_001042424.3 (MANE Select); coding-DNA position 2789, G replaced by A.
Protein change: p.Trp930Ter; replaces tryptophan 930 with a stop codon.
Molecular consequence: nonsense.
Genome position (GRCh38, 1-based): chr4:1,956,096, G>A. VCF-style: chr4-1956096-G-A. GRCh37 (hg19) VCF-style: chr4-1957823-G-A.
Other names: c.2789G>A, p.Trp930Ter (NM_133330.3, NM_133331.3, NM_133335.4); short protein forms W930*.
Identifiers: ClinVar variation 996140 (VCV000996140.2), dbSNP rs1724772708, ClinGen allele CA355991695.

ClinVar aggregate classification (germline): Uncertain significance (1 of 4 stars; one submission).

Conditions:
Microcephaly. Also called: Microcephaly (disease). Identifiers: MedGen C4551563, MONDO:0001149, HP:0000252.

Submission:

Center for Human Genetics and Genomic Medicine, Uniklinik Rwth Aachen
Classification: Uncertain significance for Microcephaly. Last evaluated: 2021-02-09. Review status: criteria provided, single submitter. Criteria: ACMG Guidelines, 2015. Collection method: clinical testing. Allele origin: unknown. Inheritance: Autosomal dominant inheritance. Affected: yes. Observed: 1 variant allele, 1 heterozygote.
Comment: Variants in this gene are yet not linked to an OMIM phenotype. There are hints that LOF variants in this gene can cause a Wolf-Hirschhorn-like phenotype (Boczek et al., 2018). The variant has not yet been reported in the relevant databases (dbSNP151, gnomAD, ClinVar) or in the literature. In the case of stop or nonsense variants in a gene that matches the phenotype, pathogenetic relevance can be assumed with a high degree of probability, but since the disease association is still unclear, the variant is currently considered to be a "variant of uncertain clinical significance" (ACMG criteria).